The following is an entry in ClinVar:

ClinVar aggregate classification (germline): Uncertain significance (1 of 4 stars; one submission).

Submission:

Labcorp Genetics (formerly Invitae), Labcorp
Classification: Uncertain significance. Last evaluated: 2023-05-08. Review status: criteria provided, single submitter. Criteria: Invitae Variant Classification Sherloc (09022015). Collection method: clinical testing. Allele origin: germline.
Comment: In summary, the available evidence is currently insufficient to determine the role of this variant in disease. Therefore, it has been classified as a Variant of Uncertain Significance. Advanced modeling of protein sequence and biophysical properties (such as structural, functional, and spatial information, amino acid conservation, physicochemical variation, residue mobility, and thermodynamic stability) performed at Invitae indicates that this missense variant is not expected to disrupt NALCN protein function. ClinVar contains an entry for this variant (Variation ID: 1721745). This variant has not been reported in the literature in individuals affected with NALCN-related conditions. This variant is not present in population databases (gnomAD no frequency). This sequence change replaces leucine, which is neutral and non-polar, with phenylalanine, which is neutral and non-polar, at codon 1735 of the NALCN protein (p.Leu1735Phe).

NM_052867.4(NALCN):c.5203C>T (p.Leu1735Phe)

Genes: NALCN (sodium leak channel, non-selective; minus strand), NALCN-AS1 (NALCN antisense RNA 1; plus strand). Cytogenetic location: 13q32.3.
Variant type: single nucleotide variant.
Coding change: c.5203C>T on transcript NM_052867.4 (MANE Select); coding-DNA position 5203, C replaced by T.
Protein change: p.Leu1735Phe; replaces leucine 1735 with phenylalanine.
Molecular consequence: missense variant. On other transcripts: non-coding transcript variant (1).
Genome position (GRCh38, 1-based): chr13:101,055,309, G>A on the plus strand (C>T on the coding strand, the complement: NALCN is on the minus strand). VCF-style: chr13-101055309-G-A. GRCh37 (hg19) VCF-style: chr13-101707661-G-A.
Other names: c.5290C>T, p.Leu1764Phe (NM_001350748.2); c.5203C>T, p.Leu1735Phe (NM_001350749.2); c.5116C>T, p.Leu1706Phe (NM_001350750.2, NM_001350751.2); short protein forms L1706F, L1735F, L1764F.
Identifiers: ClinVar variation 1721745 (VCV001721745.5), dbSNP rs2501709063, ClinGen allele CA388642720.
Genomic context (GRCh38, chr13:101,055,309, plus strand): 5'-AGAAAACGGTTTCCACCACTAGAAATTCATCTACATTGACATCCACCTAAATATCCAGAA[G>A]GTCATCCCCACTTTCGTCGCTCTCCACAGTCAGCTGCCGGGTCCACCACTTCTTAACTTC-3'
Protein context (NP_443099.1, residues 1725-1738): TVESDESGDD[Leu1735Phe]LDI